The following is an entry in ClinVar:

NM_000523.4(HOXD13):c.389A>G (p.His130Arg)

Gene: HOXD13 (homeobox D13; plus strand). Cytogenetic location: 2q31.1.
Variant type: single nucleotide variant.
Coding change: c.389A>G on transcript NM_000523.4 (MANE Select); coding-DNA position 389, A replaced by G.
Protein change: p.His130Arg; replaces histidine 130 with arginine.
Molecular consequence: missense variant.
Genome position (GRCh38, 1-based): chr2:176,093,279, A>G. VCF-style: chr2-176093279-A-G. GRCh37 (hg19) VCF-style: chr2-176958007-A-G.
Other names: short protein forms H130R.
Identifiers: ClinVar variation 2708388 (VCV002708388.3), dbSNP rs2468152785, ClinGen allele CA349352635.

ClinVar aggregate classification (germline): Uncertain significance (1 of 4 stars; one submission).

Submission:

Labcorp Genetics (formerly Invitae), Labcorp
Classification: Uncertain significance. Last evaluated: 2024-01-09. Review status: criteria provided, single submitter. Criteria: Invitae Variant Classification Sherloc (09022015). Collection method: clinical testing. Allele origin: germline.
Comment: This sequence change replaces histidine, which is basic and polar, with arginine, which is basic and polar, at codon 130 of the HOXD13 protein (p.His130Arg). This variant is not present in population databases (gnomAD no frequency). This variant has not been reported in the literature in individuals affected with HOXD13-related conditions. An algorithm developed to predict the effect of missense changes on protein structure and function (PolyPhen-2) suggests that this variant is likely to be disruptive. In summary, the available evidence is currently insufficient to determine the role of this variant in disease. Therefore, it has been classified as a Variant of Uncertain Significance.